The following is an entry in ClinVar:

NM_152743.4(BRAT1):c.1346C>T (p.Ala449Val)

Gene: BRAT1 (BRCA1 associated ATM activator 1; minus strand). Cytogenetic location: 7p22.3.
Variant type: single nucleotide variant.
Coding change: c.1346C>T on transcript NM_152743.4 (MANE Select); coding-DNA position 1346, C replaced by T.
Protein change: p.Ala449Val; replaces alanine 449 with valine.
Molecular consequence: missense variant. On other transcripts: non-coding transcript variant (1).
Genome position (GRCh38, 1-based): chr7:2,541,028, G>A on the plus strand (C>T on the coding strand, the complement: BRAT1 is on the minus strand). VCF-style: chr7-2541028-G-A. GRCh37 (hg19) VCF-style: chr7-2580662-G-A.
Other names: c.1346C>T, p.Ala449Val (NM_001350626.2); c.821C>T, p.Ala274Val (NM_001350627.2); short protein forms A274V, A449V.
Identifiers: ClinVar variation 952524 (VCV000952524.9), dbSNP rs747980905, ClinGen allele CA4127798.
Genomic context (GRCh38, chr7:2,541,028, plus strand): 5'-CACCACCGTACCGTGGGGCTGGAGCCGGGGCTCTCGAGGCACTCCAGGAGGACAGCAAGC[G>A]CCTGCGTCACCAGCTCCTGGGGGCCTGAGACAGAGGTGAGTGGATAAACCACCCCCACCC-3'
Protein context (NP_689956.2, residues 439-459): GTGPQELVTQ[Ala449Val]LAVLLECLES

ClinVar aggregate classification (germline): Uncertain significance. Review status: criteria provided, multiple submitters, no conflicts (2 of 4 stars). 3 submissions from 3 submitters: Uncertain significance (3). Last evaluated 2022-08-09.

Conditions:
Neonatal-onset encephalopathy with rigidity and seizures. Also called: Lethal neonatal spasticity-epileptic encephalopathy syndrome. Identifiers: Orphanet 435845, MedGen C3281029, MONDO:0013784, OMIM 614498.

Allele frequency attached by ClinVar (database versions not stated): ExAC 0.00001; gnomAD exomes 0.00001; TOPMed 0.00001.
gnomAD v4.1: 12 of 1,572,012 alleles (0.00076%); highest among the groups gnomAD compares: Admixed American, 0.0042%; no homozygotes.

Submissions (3):

Labcorp Genetics (formerly Invitae), Labcorp
Classification: Uncertain significance for Neonatal-onset encephalopathy with rigidity and seizures. Last evaluated: 2022-08-09. Review status: criteria provided, single submitter. Criteria: Invitae Variant Classification Sherloc (09022015). Collection method: clinical testing. Allele origin: germline.
Comment: This sequence change replaces alanine, which is neutral and non-polar, with valine, which is neutral and non-polar, at codon 449 of the BRAT1 protein (p.Ala449Val). The frequency data for this variant in the population databases is considered unreliable, as metrics indicate poor data quality at this position in the gnomAD database. This variant has not been reported in the literature in individuals affected with BRAT1-related conditions. ClinVar contains an entry for this variant (Variation ID: 952524). Algorithms developed to predict the effect of missense changes on protein structure and function output the following: SIFT: "Tolerated"; PolyPhen-2: "Benign"; Align-GVGD: "Class C0". The valine amino acid residue is found in multiple mammalian species, which suggests that this missense change does not adversely affect protein function. Algorithms developed to predict the effect of sequence changes on RNA splicing suggest that this variant may create or strengthen a splice site. In summary, the available evidence is currently insufficient to determine the role of this variant in disease. Therefore, it has been classified as a Variant of Uncertain Significance.

GeneDx
Classification: Uncertain significance. Last evaluated: 2021-06-02. Review status: criteria provided, single submitter. Criteria: GeneDx Variant Classification Process June 2021. Collection method: clinical testing. Allele origin: germline. Affected: yes.
Comment: Not observed at significant frequency in large population cohorts (Lek et al., 2016); In silico analysis supports that this missense variant does not alter protein structure/function; Has not been previously published as pathogenic or benign to our knowledge

Breakthrough Genomics
Classification: Uncertain significance. Review status: criteria provided, single submitter. Criteria: ACMG Guidelines, 2015. Collection method: not provided. Allele origin: germline. Inheritance: Autosomal recessive inheritance. Affected: yes.